The following is an entry in ClinVar:

ClinVar aggregate classification (germline): Likely pathogenic (1 of 4 stars; one submission).

Conditions:
SKIN/HAIR/EYE PIGMENTATION 1, BLUE/NONBLUE EYES (SHEP1). Also called: BROWN EYE COLOR 2; EYE COLOR 3; EYE COLOR, BLUE/NONBLUE; EYE COLOR, BROWN/BLUE; HAIR COLOR 3; SKIN/HAIR/EYE PIGMENTATION 1, BLOND/BROWN HAIR. Identifiers: MedGen C1856895, OMIM 227220.
Tyrosinase-positive oculocutaneous albinism (OCA2). Also called: ALBINISM II; Oculocutaneous albinism type 2; Albinism, oculocutaneous, type II. Identifiers: Orphanet 79432, MedGen C0268495, MONDO:0008746, OMIM 203200.

gnomAD v4.1: 4 of 1,614,140 alleles (0.00025%); highest among the groups gnomAD compares: Non-Finnish European, 0.00034%; no homozygotes.

Submission:

Laboratory of Genetic Epidemiology, Research Centre for Medical Genetics
Classification: Likely pathogenic for SKIN/HAIR/EYE PIGMENTATION 1, BLUE/NONBLUE EYES; Tyrosinase-positive oculocutaneous albinism. Last evaluated: 2025-01-01. Review status: criteria provided, single submitter. Criteria: ACMG Guidelines, 2015. Collection method: clinical testing. Allele origin: maternal. Inheritance: Autosomal recessive inheritance. Affected: yes. Observed: 1 compound heterozygote.
Comment: This variant has been previously reported in the literature (PMID: 10649493) and is not listed in gnomAD v3.1.2. The affected amino acid position is evolutionarily conserved, and multiple in silico prediction tools support a deleterious effect. The affected amino acid residue p.(Glu678Lys) located in cytoplasmic domain and may disrupts protein dynamics. Taken together, the variant meets the following ACMG/AMP criteria and can be classified as likely pathogenic with PM2, PP3, PM3, PP5, PP4 criteria.

Literature cited by the submitters: PubMed 10649493; PubMed 41428507.

NM_000275.3(OCA2):c.2032G>A (p.Glu678Lys)

Gene: OCA2 (OCA2 melanosomal transmembrane protein; minus strand). Cytogenetic location: 15q13.1.
Variant type: single nucleotide variant.
Coding change: c.2032G>A on transcript NM_000275.3 (MANE Select); coding-DNA position 2032, G replaced by A.
Protein change: p.Glu678Lys; replaces glutamic acid 678 with lysine.
Molecular consequence: missense variant.
Genome position (GRCh38, 1-based): chr15:27,926,174, C>T on the plus strand (G>A on the coding strand, the complement: OCA2 is on the minus strand). VCF-style: chr15-27926174-C-T. GRCh37 (hg19) VCF-style: chr15-28171320-C-T.
Other names: c.1960G>A, p.Glu654Lys (NM_001300984.2); short protein forms E654K, E678K.
Identifiers: ClinVar variation 4077121 (VCV004077121.1).